The following is an entry in ClinVar:

NM_015346.4(ZFYVE26):c.3073GTT[1] (p.Val1026del)

Gene: ZFYVE26 (zinc finger FYVE-type containing 26; minus strand). Cytogenetic location: 14q24.1.
Variant type: Microsatellite.
Coding change: c.3073GTT[1] on transcript NM_015346.4 (MANE Select); one copy of the 3-base unit GTT starting at c.3073; the reference has two copies in a row; one copy, 3 bases deleted.
Protein change: p.Val1026del; deletes valine 1026.
Molecular consequence: inframe deletion.
Genome position (GRCh38, 1-based): chr14:67,786,175-67,786,177, AAC deleted on the plus strand (GTT on the coding strand, the reverse complement: ZFYVE26 is on the minus strand); deleting any 3 consecutive bases within chr14:67,786,175-67,786,180 gives the same sequence; the position shown is the placement nearest the transcript's 3' end. VCF-style (leftmost placement, unchanged base first): chr14-67786174-GAAC-G. GRCh37 (hg19) VCF-style: chr14-68252891-GAAC-G.
Other names: short protein forms V1026del.
Identifiers: ClinVar variation 2194132 (VCV002194132.5), dbSNP rs1219117051, ClinGen allele CA615188419.

ClinVar aggregate classification (germline): Uncertain significance. Review status: criteria provided, multiple submitters, no conflicts (2 of 4 stars). 2 submissions from 2 submitters: Uncertain significance (2). Last evaluated 2026-07-29.

Conditions:
Spastic paraplegia. Identifiers: MedGen C0037772, HP:0001258.
Hereditary spastic paraplegia 15 (SPG15). Also called: SPASTIC PARAPLEGIA AND RETINAL DEGENERATION; SPASTIC PARAPLEGIA 15, AUTOSOMAL RECESSIVE; KJELLIN SYNDROME. Identifiers: Orphanet 100996, MedGen C1849128, MONDO:0010044, OMIM 270700.

Submissions (2):

Myriad Genetics, Inc.
Classification: Uncertain significance for Hereditary spastic paraplegia 15. Last evaluated: 2026-07-29. Review status: criteria provided, single submitter. Criteria: Myriad Autosomal Dominant, Autosomal Recessive and X-Linked Classification Criteria (2023). Collection method: clinical testing. Allele origin: unknown.
Comment: NM_015346.3(ZFYVE26):c.3076_3078delGTT(V1026del) is an in-frame deletion classified as a variant of uncertain significance in the context of spastic paraplegia type 15. V1026del has not been observed in cases with relevant disease. Relevant functional assessments of this variant are not available in the literature. V1026del has been observed in referenced population frequency databases. In summary, there is insufficient evidence to classify NM_015346.3(ZFYVE26):c.3076_3078delGTT(V1026del) as pathogenic or benign. Please note: this variant was assessed in the context of healthy population screening.

Labcorp Genetics (formerly Invitae), Labcorp
Classification: Uncertain significance for Spastic paraplegia. Last evaluated: 2024-10-21. Review status: criteria provided, single submitter. Criteria: Invitae Variant Classification Sherloc (09022015). Collection method: clinical testing. Allele origin: germline.
Comment: This variant, c.3076_3078del, results in the deletion of 1 amino acid(s) of the ZFYVE26 protein (p.Val1026del), but otherwise preserves the integrity of the reading frame. This variant is present in population databases (no rsID available, gnomAD 0.003%). This variant has not been reported in the literature in individuals affected with ZFYVE26-related conditions. Experimental studies and prediction algorithms are not available or were not evaluated, and the functional significance of this variant is currently unknown. In summary, the available evidence is currently insufficient to determine the role of this variant in disease. Therefore, it has been classified as a Variant of Uncertain Significance.